The following is an entry in ClinVar:

ClinVar aggregate classification (germline): Uncertain significance (1 of 4 stars; one submission).

Conditions:
Peroxisome biogenesis disorder 11A (Zellweger). Also called: Peroxisome biogenesis disorder 11A. Identifiers: Orphanet 912, MedGen C3554000, MONDO:0013949, OMIM 614883.

Allele frequency attached by ClinVar (database versions not stated): gnomAD exomes below 0.00001 and 0.00002; gnomAD 0.00001.
gnomAD v4.1: 29 of 1,614,070 alleles (0.0018%); highest among the groups gnomAD compares: Non-Finnish European, 0.0023%; no homozygotes.

Submission:

Labcorp Genetics (formerly Invitae), Labcorp
Classification: Uncertain significance for Peroxisome biogenesis disorder 11A (Zellweger). Last evaluated: 2022-02-03. Review status: criteria provided, single submitter. Criteria: Invitae Variant Classification Sherloc (09022015). Collection method: clinical testing. Allele origin: germline.
Comment: This sequence change replaces alanine, which is neutral and non-polar, with threonine, which is neutral and polar, at codon 47 of the PEX13 protein (p.Ala47Thr). This variant is present in population databases (no rsID available, gnomAD 0.0009%). This variant has not been reported in the literature in individuals affected with PEX13-related conditions. Algorithms developed to predict the effect of missense changes on protein structure and function output the following: SIFT: "Tolerated"; PolyPhen-2: "Benign"; Align-GVGD: "Class C0". The threonine amino acid residue is found in multiple mammalian species, which suggests that this missense change does not adversely affect protein function. In summary, the available evidence is currently insufficient to determine the role of this variant in disease. Therefore, it has been classified as a Variant of Uncertain Significance.

NM_002618.4(PEX13):c.139G>A (p.Ala47Thr)

Gene: PEX13 (peroxisomal biogenesis factor 13; plus strand). Cytogenetic location: 2p15.
Variant type: single nucleotide variant.
Coding change: c.139G>A on transcript NM_002618.4 (MANE Select); coding-DNA position 139, G replaced by A.
Protein change: p.Ala47Thr; replaces alanine 47 with threonine.
Molecular consequence: missense variant.
Genome position (GRCh38, 1-based): chr2:61,031,465, G>A. VCF-style: chr2-61031465-G-A. GRCh37 (hg19) VCF-style: chr2-61258600-G-A.
Other names: short protein forms A47T.
Identifiers: ClinVar variation 1473355 (VCV001473355.5), dbSNP rs1292631867, ClinGen allele CA346941152.